The following is an entry in ClinVar:

ClinVar aggregate classification (germline): Uncertain significance. Review status: criteria provided, multiple submitters, no conflicts (2 of 4 stars). 4 submissions from 4 submitters: Uncertain significance (4). Last evaluated 2025-11-02.

Conditions:
Type 2 diabetes mellitus. Also called: Type II diabetes mellitus. Identifiers: MedGen C0011860, MeSH D003924, MONDO:0005148, OMIM 125853, HP:0005978.
Wolfram syndrome 1 (WFS1). Identifiers: Orphanet 3463, MedGen C4551693, MONDO:0009101, OMIM 222300.
Autosomal dominant nonsyndromic hearing loss 6 (LFSNHL). Also called: DEAFNESS, AUTOSOMAL DOMINANT 14; DEAFNESS, AUTOSOMAL DOMINANT 38; Autosomal dominant nonsyndromic deafness 6; DEAFNESS, AUTOSOMAL DOMINANT 6. Identifiers: Orphanet 90635, MedGen C1833021, MONDO:0010963, OMIM 600965.
Wolfram-like syndrome. Also called: HEARING LOSS, PROGRESSIVE, WITH OPTIC ATROPHY AND/OR IMPAIRED GLUCOSE REGULATION. Identifiers: Orphanet 411590, MedGen C3280358, MONDO:0013673, OMIM 614296.
Cataract 41 (CTRCT41). Also called: CATARACT 41, CONGENITAL NUCLEAR TYPE. Identifiers: Orphanet 91492, Orphanet 98991, Orphanet 98992, Orphanet 98995, MedGen C3805412, MONDO:0007287, OMIM 116400.

Allele frequency attached by ClinVar (database versions not stated): ESP Exome Variant Server 0.00008.
gnomAD v4.1: 48 of 1,613,900 alleles (0.003%); highest among the groups gnomAD compares: African/African-American, 0.028%; no homozygotes.

Submissions (4):

GeneDx
Classification: Uncertain significance. Last evaluated: 2025-11-02. Review status: criteria provided, single submitter. Criteria: GeneDx Variant Classification Process June 2021. Collection method: clinical testing. Allele origin: germline. Affected: yes.
Comment: Reported as heterozygous in an adult with diabetes mellitus type 2, hyperlipidemia, and non-alcoholic fatty liver disease (PMID: 40585884); In silico analysis suggests that this missense variant does not alter protein structure/function; This variant is associated with the following publications: (PMID: 40585884)

Labcorp Genetics (formerly Invitae), Labcorp
Classification: Uncertain significance. Last evaluated: 2025-08-27. Review status: criteria provided, single submitter. Criteria: Invitae Variant Classification Sherloc (09022015). Collection method: clinical testing. Allele origin: germline.
Comment: This sequence change replaces valine, which is neutral and non-polar, with methionine, which is neutral and non-polar, at codon 582 of the WFS1 protein (p.Val582Met). This variant is present in population databases (rs377677092, gnomAD 0.02%). This variant has not been reported in the literature in individuals affected with WFS1-related conditions. ClinVar contains an entry for this variant (Variation ID: 1215749). Invitae Evidence Modeling of protein sequence and biophysical properties (such as structural, functional, and spatial information, amino acid conservation, physicochemical variation, residue mobility, and thermodynamic stability) indicates that this missense variant is not expected to disrupt WFS1 protein function with a negative predictive value of 95%. In summary, the available evidence is currently insufficient to determine the role of this variant in disease. Therefore, it has been classified as a Variant of Uncertain Significance.

Blueprint Genetics
Classification: Uncertain significance. Last evaluated: 2024-10-21. Review status: criteria provided, single submitter. Criteria: ACMG Guidelines, 2015. Collection method: clinical testing. Allele origin: germline.

Fulgent Genetics
Classification: Uncertain significance for Cataract 41; Type 2 diabetes mellitus; Wolfram syndrome 1; Autosomal dominant nonsyndromic hearing loss 6; Wolfram-like syndrome. Last evaluated: 2022-03-22. Review status: criteria provided, single submitter. Criteria: ACMG Guidelines, 2015. Collection method: clinical testing. Allele origin: unknown.

NM_006005.3(WFS1):c.1744G>A (p.Val582Met)

Gene: WFS1 (wolframin ER transmembrane glycoprotein; plus strand). Cytogenetic location: 4p16.1.
Variant type: single nucleotide variant.
Coding change: c.1744G>A on transcript NM_006005.3 (MANE Select); coding-DNA position 1744, G replaced by A.
Protein change: p.Val582Met; replaces valine 582 with methionine.
Molecular consequence: missense variant.
Genome position (GRCh38, 1-based): chr4:6,301,539, G>A. VCF-style: chr4-6301539-G-A. GRCh37 (hg19) VCF-style: chr4-6303266-G-A.
Other names: c.1744G>A, p.Val582Met (NM_001145853.1); short protein forms V582M.
Identifiers: ClinVar variation 1215749 (VCV001215749.14), dbSNP rs377677092, ClinGen allele CA2839472.